The following is an entry in ClinVar:

ClinVar aggregate classification (germline): Likely benign (1 of 4 stars; one submission).

gnomAD v4.1: 73 of 1,241,358 alleles (0.0059%); highest among the groups gnomAD compares: African/African-American, 0.01%; no homozygotes.

Submission:

CeGaT Center for Human Genetics Tuebingen
Classification: Likely benign. Last evaluated: 2025-06-01. Review status: criteria provided, single submitter. Criteria: CeGaT Center For Human Genetics Tuebingen Variant Classification Criteria Version 2. Collection method: clinical testing. Allele origin: germline. Affected: yes. Observed: 1 variant allele.
Comment: ADGRL1: BP4, BP7

NM_014921.5(ADGRL1):c.4263G>A (p.Ser1421=)

Genes: ADGRL1 (adhesion G protein-coupled receptor L1; minus strand), ADGRL1-AS1 (ADGRL1 antisense RNA 1; plus strand). Cytogenetic location: 19p13.12.
Variant type: single nucleotide variant.
Coding change: c.4263G>A on transcript NM_014921.5 (MANE Select); coding-DNA position 4263, G replaced by A.
Protein change: p.Ser1421=; no amino-acid change (serine 1421 retained).
Molecular consequence: synonymous variant.
Genome position (GRCh38, 1-based): chr19:14,151,020, C>T on the plus strand (G>A on the coding strand, the complement: ADGRL1 is on the minus strand). VCF-style: chr19-14151020-C-T. GRCh37 (hg19) VCF-style: chr19-14261832-C-T.
Other names: c.4278G>A, p.Ser1426= (NM_001008701.3).
Identifiers: ClinVar variation 4084008 (VCV004084008.8).
Genomic context (GRCh38, chr19:14,151,020, plus strand): 5'-AGGACGCCGCACCTGGTAGTAGCCCTGCAGGGGATTCCGGGCCACCAGGGCTGGCGGGCG[C>T]GAGGTGTAGTAGATTTCGGGGGGGCCGGGGGGTGCGGGAGGGGGTGGGGGCAGGGCCTCA-3'
Protein context (NP_055736.2, residues 1411-1431): PPGPPEIYYT[Ser1421=]RPPALVARNP